The following is an entry in ClinVar:

NM_019066.5(MAGEL2):c.169G>T (p.Ala57Ser)

Gene: MAGEL2 (MAGE family member L2; minus strand). Cytogenetic location: 15q11.2.
Variant type: single nucleotide variant.
Coding change: c.169G>T on transcript NM_019066.5 (MANE Select); coding-DNA position 169, G replaced by T.
Protein change: p.Ala57Ser; replaces alanine 57 with serine.
Molecular consequence: missense variant.
Genome position (GRCh38, 1-based): chr15:23,647,574, C>A on the plus strand (G>T on the coding strand, the complement: MAGEL2 is on the minus strand). VCF-style: chr15-23647574-C-A. GRCh37 (hg19) VCF-style: chr15-23892721-C-A.
Other names: short protein forms A57S.
Identifiers: ClinVar variation 4994175 (VCV004994175.1).
Genomic context (GRCh38, chr15:23,647,574, plus strand): 5'-CCACCGGGGCGGGCAGCTGGCCCTGTGGGGCCTCCCAGGCAGGCTGAGGTGCCTGCCAAG[C>A]GGCCAATGAAGCCTGCAAGTCAATTGGAGGTGGATCCCAAGGGACTGGCGGAGCCCGGGA-3'
Protein context (NP_061939.3, residues 47-67): PPIDLQASLA[Ala57Ser]WQAPQPAWEA

ClinVar aggregate classification (germline): Uncertain significance (1 of 4 stars; one submission).

Conditions:
MAGEL2-related disorder. Also called: MAGEL2-related condition.

gnomAD v4.1: 7 of 1,535,530 alleles (0.00046%); highest among the groups gnomAD compares: South Asian, 0.0012%; no homozygotes.

Submission:

PreventionGenetics, part of Exact Sciences
Classification: Uncertain significance for MAGEL2-related condition. Last evaluated: 2025-08-20. Review status: criteria provided, single submitter. Criteria: ACMG Guidelines, 2015. Collection method: clinical testing. Allele origin: germline.
Comment: The MAGEL2 c.169G>T variant is predicted to result in the amino acid substitution p.Ala57Ser. To our knowledge, this variant has not been reported in the literature. This variant is reported in 0.0072% of alleles in individuals of European (Non-Finnish) descent in gnomAD. At this time, the clinical significance of this variant is uncertain due to the absence of conclusive functional and genetic evidence.